The following is an entry in ClinVar:

NM_001308093.3(GATA4):c.395A>G (p.Tyr132Cys)

Gene: GATA4 (GATA binding protein 4). Cytogenetic location: 8p23.1.
Variant type: single nucleotide variant.
Coding change: c.395A>G on transcript NM_001308093.3 (MANE Select); coding-DNA position 395, A replaced by G.
Protein change: p.Tyr132Cys; replaces tyrosine 132 with cysteine.
Molecular consequence: missense variant. On other transcripts: intron variant (3).
Genome position (GRCh38, 1-based): chr8:11,708,707, A>G. VCF-style: chr8-11708707-A-G. GRCh37 (hg19) VCF-style: chr8-11566216-A-G.
Other names: c.395A>G, p.Tyr132Cys (NM_002052.5); c.-6+7929A>G (NM_001308094.2); c.-3+693A>G (NM_001374274.1); c.-3+4403A>G (NM_001374273.1); short protein forms Y132C.
Identifiers: ClinVar variation 2155393 (VCV002155393.4), dbSNP rs2486780988, ClinGen allele CA370309530.

ClinVar aggregate classification (germline): Uncertain significance (1 of 4 stars; one submission).

Conditions:
Atrioventricular septal defect 4 (AVSD4). Identifiers: MedGen C3280781, MONDO:0013747, OMIM 614430.

Allele frequency attached by ClinVar (database versions not stated): gnomAD exomes below 0.00001.
gnomAD v4.1: 1 of 1,273,260 alleles (0.000079%); highest among the groups gnomAD compares: Non-Finnish European, 0.000098%; no homozygotes.

Submission:

Labcorp Genetics (formerly Invitae), Labcorp
Classification: Uncertain significance for Atrioventricular septal defect 4. Last evaluated: 2023-08-11. Review status: criteria provided, single submitter. Criteria: Invitae Variant Classification Sherloc (09022015). Collection method: clinical testing. Allele origin: germline.
Comment: In summary, the available evidence is currently insufficient to determine the role of this variant in disease. Therefore, it has been classified as a Variant of Uncertain Significance. Advanced modeling of protein sequence and biophysical properties (such as structural, functional, and spatial information, amino acid conservation, physicochemical variation, residue mobility, and thermodynamic stability) performed at Invitae indicates that this missense variant is not expected to disrupt GATA4 protein function. ClinVar contains an entry for this variant (Variation ID: 2155393). This variant has not been reported in the literature in individuals affected with GATA4-related conditions. This variant is not present in population databases (gnomAD no frequency). This sequence change replaces tyrosine, which is neutral and polar, with cysteine, which is neutral and slightly polar, at codon 132 of the GATA4 protein (p.Tyr132Cys).